The following is an entry in ClinVar:

NM_001374736.1(DST):c.13630C>T (p.His4544Tyr)

Gene: DST (dystonin; minus strand). Cytogenetic location: 6p12.1.
Variant type: single nucleotide variant.
Coding change: c.13630C>T on transcript NM_001374736.1 (MANE Select); coding-DNA position 13630, C replaced by T.
Protein change: p.His4544Tyr; replaces histidine 4544 with tyrosine.
Molecular consequence: missense variant.
Genome position (GRCh38, 1-based): chr6:56,572,191, G>A on the plus strand (C>T on the coding strand, the complement: DST is on the minus strand). VCF-style: chr6-56572191-G-A. GRCh37 (hg19) VCF-style: chr6-56436989-G-A.
Other names: c.7273C>T, p.His2425Tyr (NM_001144769.5); c.6859C>T, p.His2287Tyr (NM_001144770.2); c.13630C>T, p.His4544Tyr (NM_001374722.1); c.12997C>T, p.His4333Tyr (NM_001374729.1); c.6739C>T, p.His2247Tyr (NM_001374730.1, NM_001386100.1, NM_183380.4); c.13657C>T, p.His4553Tyr (NM_001374734.1); c.5761C>T, p.His1921Tyr (NM_015548.5); short protein forms H1921Y, H2247Y, H2287Y, H2425Y, H4333Y, H4544Y, H4553Y.
Identifiers: ClinVar variation 1018444 (VCV001018444.7), dbSNP rs1397028886, ClinGen allele CA364526432.

ClinVar aggregate classification (germline): Uncertain significance (1 of 4 stars; one submission).

Conditions:
Hereditary sensory and autonomic neuropathy type 6. Also called: HSAN VI; Neuropathy, hereditary sensory and autonomic, type VI. Identifiers: Orphanet 314381, MedGen C3539003, MONDO:0013839, OMIM 614653.
Epidermolysis bullosa simplex 3, localized or generalized intermediate, with BP230 deficiency (EBS3). Also called: Epidermolysis bullosa simplex due to BP230 deficiency; Epidermolysis bullosa simplex, autosomal recessive 2. Identifiers: Orphanet 412181, MedGen C3809470, MONDO:0014180, OMIM 615425.

Allele frequency attached by ClinVar (database versions not stated): TOPMed below 0.00001.
gnomAD v4.1: 1 of 1,566,452 alleles (0.000064%); highest among the groups gnomAD compares: South Asian, 0.0012%; no homozygotes.

Submission:

Labcorp Genetics (formerly Invitae), Labcorp
Classification: Uncertain significance for Epidermolysis bullosa simplex 3, localized or generalized intermediate, with BP230 deficiency; Hereditary sensory and autonomic neuropathy type 6. Last evaluated: 2020-10-20. Review status: criteria provided, single submitter. Criteria: Invitae Variant Classification Sherloc (09022015). Collection method: clinical testing. Allele origin: germline.
Comment: In summary, the available evidence is currently insufficient to determine the role of this variant in disease. Therefore, it has been classified as a Variant of Uncertain Significance. Experimental studies and prediction algorithms are not available or were not evaluated, and the functional significance of this variant is currently unknown. This variant has not been reported in the literature in individuals with DST-related conditions. This variant is not present in population databases (ExAC no frequency). This sequence change replaces histidine with tyrosine at codon 1921 of the DST protein (p.His1921Tyr). The DST gene has multiple clinically relevant transcripts. This variant occurs in alternate transcript NM_015548.4, and corresponds to NM_001723.5:c.*43326C>T in the primary transcript.